The following is an entry in ClinVar:

ClinVar aggregate classification (germline): Uncertain significance (1 of 4 stars; one submission).

Conditions:
Haddad syndrome (OHD). Also called: Ondine-Hirschsprung disease. Identifiers: Orphanet 99803, MedGen C1859049, MONDO:0020493.

Allele frequency attached by ClinVar (database versions not stated): gnomAD exomes below 0.00001.

Submission:

Labcorp Genetics (formerly Invitae), Labcorp
Classification: Uncertain significance for Haddad syndrome. Last evaluated: 2018-12-12. Review status: criteria provided, single submitter. Criteria: Invitae Variant Classification Sherloc (09022015). Collection method: clinical testing. Allele origin: germline.
Comment: In summary, the available evidence is currently insufficient to determine the role of this variant in disease. Therefore, it has been classified as a Variant of Uncertain Significance. Algorithms developed to predict the effect of missense changes on protein structure and function are either unavailable or do not agree on the potential impact of this missense change (SIFT: "Deleterious"; PolyPhen-2: "Probably Damaging"; Align-GVGD: "Class C15"). This variant has not been reported in the literature in individuals with PHOX2B-related conditions. This variant is not present in population databases (ExAC no frequency). This sequence change replaces leucine with phenylalanine at codon 137 of the PHOX2B protein (p.Leu137Phe). The leucine residue is highly conserved and there is a small physicochemical difference between leucine and phenylalanine.

NM_003924.4(PHOX2B):c.409C>T (p.Leu137Phe)

Gene: PHOX2B (paired like homeobox 2B; minus strand). Cytogenetic location: 4p13.
Variant type: single nucleotide variant.
Coding change: c.409C>T on transcript NM_003924.4 (MANE Select); coding-DNA position 409, C replaced by T.
Protein change: p.Leu137Phe; replaces leucine 137 with phenylalanine.
Molecular consequence: missense variant.
Genome position (GRCh38, 1-based): chr4:41,747,369, G>A on the plus strand (C>T on the coding strand, the complement: PHOX2B is on the minus strand). VCF-style: chr4-41747369-G-A. GRCh37 (hg19) VCF-style: chr4-41749386-G-A.
Other names: short protein forms L137F.
Identifiers: ClinVar variation 664252 (VCV000664252.10), dbSNP rs1577560208, ClinGen allele CA356739842.